The following is an entry in ClinVar:

NM_020937.4(FANCM):c.710del (p.Asn237fs)

Gene: FANCM (FA complementation group M; plus strand). Cytogenetic location: 14q21.2.
Variant type: Deletion.
Coding change: c.710del on transcript NM_020937.4 (MANE Select); coding-DNA position 710, one base deleted (A; older notation c.710delA).
Protein change: p.Asn237fs; shifts the reading frame from asparagine 237.
Molecular consequence: frameshift variant. On other transcripts: intron variant (1).
Genome position (GRCh38, 1-based): chr14:45,140,660, A deleted; the last of 3 consecutive A bases (chr14:45,140,658-45,140,660); deleting any one gives the same sequence. VCF-style (leftmost placement, unchanged base first): chr14-45140657-CA-C. GRCh37 (hg19) VCF-style: chr14-45609860-CA-C.
Other names: c.710del, p.Asn237fs (NM_001308134.2); c.681+3419del (NM_001308133.2); short protein forms N237fs.
Identifiers: ClinVar variation 942303 (VCV000942303.7), dbSNP rs1340295590, ClinGen allele CA1139663457.
Genomic context (GRCh38, chr14:45,140,657, plus strand): 5'-AACAGATGAAACTAAAGAACTTTTTTTTTCTTAAGGTTGTAAGAGAACTAGTCAAATATA[CA>C]AATCACTTTAGAATCTTGGCTCTAAGTGCCACACCAGGTAGTGATATAAAGGTAAGTAAA-3'

ClinVar aggregate classification (germline): Pathogenic (1 of 4 stars; one submission).

Conditions:
Fanconi anemia (FA). Also called: Fanconi's anemia. Identifiers: Orphanet 84, MedGen C0015625, MeSH D005199, MONDO:0019391.

Submission:

Labcorp Genetics (formerly Invitae), Labcorp
Classification: Pathogenic for Fanconi anemia. Last evaluated: 2025-07-31. Review status: criteria provided, single submitter. Criteria: Invitae Variant Classification Sherloc (09022015). Collection method: clinical testing. Allele origin: germline.
Comment: This sequence change creates a premature translational stop signal (p.Asn237Ilefs*8) in the FANCM gene. It is expected to result in an absent or disrupted protein product. Loss-of-function variants in FANCM are known to be pathogenic (PMID: 29895858, 30075111). This variant is not present in population databases (gnomAD no frequency). This variant has not been reported in the literature in individuals affected with FANCM-related conditions. ClinVar contains an entry for this variant (Variation ID: 942303). Algorithms developed to predict the effect of sequence changes on RNA splicing suggest that this variant may disrupt the consensus splice site. For these reasons, this variant has been classified as Pathogenic.

Literature cited by the submitters: PubMed 29895858; PubMed 30075111.